The following is an entry in ClinVar:

ClinVar aggregate classification (germline): Uncertain significance (1 of 4 stars; one submission).

Conditions:
Retinitis pigmentosa 3. Also called: CHOROIDORETINAL DEGENERATION WITH RETINAL REFLEX IN HETEROZYGOUS WOMEN. Identifiers: Orphanet 791, MedGen C1845667, MONDO:0010227, OMIM 300029.

Allele frequency attached by ClinVar (database versions not stated): ExAC 0.00001.

Submission:

DBGen Ocular Genomics
Classification: Uncertain significance for Retinitis pigmentosa 3. Last evaluated: 2022-01-01. Review status: criteria provided, single submitter. Criteria: ACMG Guidelines, 2015. Collection method: clinical testing. Allele origin: unknown. Inheritance: X-linked inheritance. Affected: yes.
Comment: Class 3 ACMG Guidelines, 2015

NM_001034853.2(RPGR):c.40G>A (p.Val14Met)

Gene: RPGR (retinitis pigmentosa GTPase regulator; minus strand). Cytogenetic location: Xp11.4.
Variant type: single nucleotide variant.
Coding change: c.40G>A on transcript NM_001034853.2 (MANE Select); coding-DNA position 40, G replaced by A.
Protein change: p.Val14Met; replaces valine 14 with methionine.
Molecular consequence: missense variant. On other transcripts: non-coding transcript variant (6).
Genome position (GRCh38, 1-based): chrX:38,323,513, C>T on the plus strand (G>A on the coding strand, the complement: RPGR is on the minus strand). VCF-style: chrX-38323513-C-T. GRCh37 (hg19) VCF-style: chrX-38182766-C-T.
Other names: c.40G>A, p.Val14Met (NM_000328.3, NM_001367245.1, NM_001367246.1 and 4 more transcripts); c.70G>A, p.Val24Met (NM_001367248.1); short protein forms V14M, V24M.
Identifiers: ClinVar variation 2628061 (VCV002628061.2), dbSNP rs748188165, ClinGen allele CA10385737.